The following is an entry in ClinVar:

NM_001206744.2(TPO):c.2386G>A (p.Asp796Asn)

Genes: LALTOP (lung cancer associated lncRNA targeting TOP2A; minus strand), TPO (thyroid peroxidase; plus strand). Cytogenetic location: 2p25.3.
Variant type: single nucleotide variant.
Coding change: c.2386G>A on transcript NM_001206744.2 (MANE Select); coding-DNA position 2386, G replaced by A.
Protein change: p.Asp796Asn; replaces aspartic acid 796 with asparagine.
Molecular consequence: missense variant.
Genome position (GRCh38, 1-based): chr2:1,496,765, G>A. VCF-style: chr2-1496765-G-A. GRCh37 (hg19) VCF-style: chr2-1500537-G-A.
Other names: c.2386G>A, p.Asp796Asn (NM_000547.6, NM_175721.3); c.2215G>A, p.Asp739Asn (NM_001206745.2, NM_175719.4); c.1867G>A, p.Asp623Asn (NM_175722.3); short protein forms D623N, D739N, D796N.
Identifiers: ClinVar variation 2637868 (VCV002637868.1), dbSNP rs773759871, ClinGen allele CA1512051.

ClinVar aggregate classification (germline): Uncertain significance (1 of 4 stars; one submission).

Allele frequency attached by ClinVar (database versions not stated): gnomAD exomes below 0.00001; TOPMed below 0.00001; ExAC 0.00001.
gnomAD v4.1: 2 of 1,614,162 alleles (0.00012%); highest among the groups gnomAD compares: Non-Finnish European, 0.00017%; no homozygotes.

Submission:

Women's Health and Genetics/Laboratory Corporation of America, LabCorp
Classification: Uncertain significance. Last evaluated: 2023-10-03. Review status: criteria provided, single submitter. Criteria: LabCorp Variant Classification Summary - May 2015. Collection method: clinical testing. Allele origin: germline.
Comment: Variant summary: TPO c.2386G>A (p.Asp796Asn) results in a conservative amino acid change located in the Sushi/SCR/CCP domain (IPR000436) and EGF-like domain (IPR000742) of the encoded protein sequence. Three of five in-silico tools predict a damaging effect of the variant on protein function. In addition, this variant disrupts the last nucleotide of exon 13, and therefore can affect splicing. Several computational tools predict a significant impact on normal splicing: Two predict the variant abolishes a 5' splicing donor site. Two predict the variant weakens a 5' donor site. However, these predictions have yet to be confirmed by functional studies. The variant allele was found at a frequency of 4e-06 in 251320 control chromosomes (i.e., 1 heterozygote; gnomAD v2.1 Exomes dataset). The available data on variant occurrences in the general population are insufficient to allow any conclusion about variant significance. c.2386G>A has been reported in the literature in at least one individual affected with congenital hypothyroidism, with a co-occurring TG variant but no second reported TPO variant (e.g., Oliver-Petit_2021). This report therefore does not provide unequivocal conclusions about association of the variant with Deficiency Of Iodide Peroxidase. To our knowledge, no experimental evidence demonstrating an impact on protein function has been reported. The following publication was ascertained in the context of this evaluation (PMID: 34248839). No submitters have reported clinical-significance assessments for this variant to ClinVar after 2014. Based on the evidence outlined above, the variant was classified as uncertain significance.

Literature cited by the submitters: PubMed 34248839.